The following is an entry in ClinVar:

ClinVar aggregate classification (germline): Conflicting classifications of pathogenicity. Review status: criteria provided, conflicting classifications (1 of 4 stars). 2 submissions from 2 submitters: Uncertain significance (1); Likely benign (1). Last evaluated 2024-08-01.

Conditions:
Geleophysic dysplasia 1 (GPHYSD1). Also called: Geleophysic dwarfism. Identifiers: Orphanet 2623, MedGen C3278147, MONDO:0009269, OMIM 231050.

Allele frequency attached by ClinVar (database versions not stated): gnomAD exomes 0.00001; gnomAD 0.00002; TOPMed 0.00002; 1000 Genomes Project 30x 0.00016.
gnomAD v4.1: 13 of 1,603,230 alleles (0.00081%); highest among the groups gnomAD compares: African/African-American, 0.008%; no homozygotes.

Submissions (2):

CeGaT Center for Human Genetics Tuebingen
Classification: Likely benign. Last evaluated: 2024-08-01. Review status: criteria provided, single submitter. Criteria: CeGaT Center For Human Genetics Tuebingen Variant Classification Criteria Version 2. Collection method: clinical testing. Allele origin: germline. Affected: yes. Observed: 1 variant allele.
Comment: ADAMTSL2: BP4, BP7

Illumina Laboratory Services, Illumina
Classification: Uncertain significance for Geleophysic dysplasia 1. Last evaluated: 2018-01-12. Review status: criteria provided, single submitter. Criteria: ICSL Variant Classification Criteria 13 December 2019. Collection method: clinical testing. Allele origin: germline.

NM_014694.4(ADAMTSL2):c.1719C>T (p.His573=)

Gene: ADAMTSL2 (ADAMTS like 2; plus strand). Cytogenetic location: 9q34.2.
Variant type: single nucleotide variant.
Coding change: c.1719C>T on transcript NM_014694.4 (MANE Select); coding-DNA position 1719, C replaced by T.
Protein change: p.His573=; no amino-acid change (histidine 573 retained).
Molecular consequence: synonymous variant.
Genome position (GRCh38, 1-based): chr9:133,561,267, C>T. VCF-style: chr9-133561267-C-T. GRCh37 (hg19) VCF-style: chr9-136426389-C-T.
Other names: c.1719C>T, p.His573= (NM_001145320.2).
Identifiers: ClinVar variation 914899 (VCV000914899.20), dbSNP rs982225900, ClinGen allele CA200933473.